The following is an entry in ClinVar:

NM_004415.4(DSP):c.238G>A (p.Asp80Asn)

Gene: DSP (desmoplakin; plus strand). Cytogenetic location: 6p24.3.
Variant type: single nucleotide variant.
Coding change: c.238G>A on transcript NM_004415.4 (MANE Select); coding-DNA position 238, G replaced by A.
Protein change: p.Asp80Asn; replaces aspartic acid 80 with asparagine.
Molecular consequence: missense variant.
Genome position (GRCh38, 1-based): chr6:7,555,785, G>A. VCF-style: chr6-7555785-G-A. GRCh37 (hg19) VCF-style: chr6-7556018-G-A.
Other names: c.238G>A, p.Asp80Asn (NM_001008844.3, NM_001319034.2); short protein forms D80N.
Identifiers: ClinVar variation 1360811 (VCV001360811.4), dbSNP rs1453492594, ClinGen allele CA362670818.
Genomic context (GRCh38, chr6:7,555,785, plus strand): 5'-GGCACGATGTCCAGGCACCAGAACCAGAACACCATCCAGGAGCTGCTGCAGAACTGCTCC[G>A]ACTGCTTGATGCGAGCAGAGCTCATCGTGCAGCCTGTAAGCTTTCCCTGTTCCCATCGCT-3'
Protein context (NP_004406.2, residues 70-90): TIQELLQNCS[Asp80Asn]CLMRAELIVQ

ClinVar aggregate classification (germline): Uncertain significance. Review status: criteria provided, multiple submitters, no conflicts (2 of 4 stars). 2 submissions from 2 submitters: Uncertain significance (2). Last evaluated 2023-11-30.

Conditions:
Arrhythmogenic right ventricular dysplasia 8 (ARVD8). Also called: Arrhythmogenic Right Ventricular Dysplasia/Cardiomyopathy 8; ARRHYTHMOGENIC RIGHT VENTRICULAR DYSPLASIA, FAMILIAL, 8; ARRHYTHMOGENIC RIGHT VENTRICULAR CARDIOMYOPATHY 8. Identifiers: MedGen C1843896, MONDO:0011831, OMIM 607450.
Arrhythmogenic cardiomyopathy with wooly hair and keratoderma. Also called: Carvajal syndrome; PALMOPLANTAR KERATODERMA WITH LEFT VENTRICULAR CARDIOMYOPATHY AND WOOLLY HAIR; Dilated cardiomyopathy with woolly hair and keratoderma; Arrhythmogenic cardiomyopathy with woolly hair and keratoderma. Identifiers: Orphanet 65282, MedGen C1854063, MONDO:0011581, OMIM 605676.

Allele frequency attached by ClinVar (database versions not stated): TOPMed below 0.00001; gnomAD exomes 0.00001.

Submissions (2):

All of Us Research Program, National Institutes of Health
Classification: Uncertain significance for Arrhythmogenic cardiomyopathy with wooly hair and keratoderma. Last evaluated: 2023-11-30. Review status: criteria provided, single submitter. Criteria: ACMG Guidelines, 2015. Collection method: clinical testing. Allele origin: germline. Inheritance: Autosomal dominant inheritance. Observed: 1 variant allele, 1 heterozygote.
Comment: This study involves interpretation of variants in research participants for the purpose of population health screening. Participant phenotype was not available at the time of variant classification. Additional details can be found in publication PMID: 35346344, PMCID: PMC8962531

Labcorp Genetics (formerly Invitae), Labcorp
Classification: Uncertain significance for Arrhythmogenic cardiomyopathy with wooly hair and keratoderma; Arrhythmogenic right ventricular dysplasia 8. Last evaluated: 2021-11-20. Review status: criteria provided, single submitter. Criteria: Invitae Variant Classification Sherloc (09022015). Collection method: clinical testing. Allele origin: germline.
Comment: This sequence change replaces aspartic acid, which is acidic and polar, with asparagine, which is neutral and polar, at codon 80 of the DSP protein (p.Asp80Asn). This variant is not present in population databases (gnomAD no frequency). This variant has not been reported in the literature in individuals affected with DSP-related conditions. Algorithms developed to predict the effect of missense changes on protein structure and function are either unavailable or do not agree on the potential impact of this missense change (SIFT: "Tolerated"; PolyPhen-2: "Probably Damaging"; Align-GVGD: "Class C0"). In summary, the available evidence is currently insufficient to determine the role of this variant in disease. Therefore, it has been classified as a Variant of Uncertain Significance.